The following is an entry in ClinVar:

ClinVar aggregate classification (germline): Uncertain significance (1 of 4 stars; one submission).

Conditions:
Asphyxiating thoracic dystrophy 5 (SRTD5). Also called: SHORT-RIB THORACIC DYSPLASIA 5 WITH OR WITHOUT POLYDACTYLY; SHORT-RIB THORACIC DYSPLASIA 5 WITHOUT POLYDACTYLY. Identifiers: Orphanet 474, MedGen C3280598, MONDO:0013717, OMIM 614376.
Senior-Loken syndrome 8 (SLSN8). Identifiers: Orphanet 3156, MedGen C4225376, MONDO:0014579, OMIM 616307.

Submission:

Labcorp Genetics (formerly Invitae), Labcorp
Classification: Uncertain significance for Senior-Loken syndrome 8; Asphyxiating thoracic dystrophy 5. Last evaluated: 2020-12-27. Review status: criteria provided, single submitter. Criteria: Invitae Variant Classification Sherloc (09022015). Collection method: clinical testing. Allele origin: germline.
Comment: Algorithms developed to predict the effect of missense changes on protein structure and function (SIFT, PolyPhen-2, Align-GVGD) all suggest that this variant is likely to be tolerated, but these predictions have not been confirmed by published functional studies and their clinical significance is uncertain. This sequence change replaces asparagine with threonine at codon 1150 of the WDR19 protein (p.Asn1150Thr). The asparagine residue is highly conserved and there is a small physicochemical difference between asparagine and threonine. This variant is not present in population databases (ExAC no frequency). This variant has not been reported in the literature in individuals with WDR19-related conditions. In summary, the available evidence is currently insufficient to determine the role of this variant in disease. Therefore, it has been classified as a Variant of Uncertain Significance.

NM_025132.4(WDR19):c.3449A>C (p.Asn1150Thr)

Gene: WDR19 (WD repeat domain 19; plus strand). Cytogenetic location: 4p14.
Variant type: single nucleotide variant.
Coding change: c.3449A>C on transcript NM_025132.4 (MANE Select); coding-DNA position 3449, A replaced by C.
Protein change: p.Asn1150Thr; replaces asparagine 1150 with threonine.
Molecular consequence: missense variant.
Genome position (GRCh38, 1-based): chr4:39,270,066, A>C. VCF-style: chr4-39270066-A-C. GRCh37 (hg19) VCF-style: chr4-39271686-A-C.
Other names: c.2969A>C, p.Asn990Thr (NM_001317924.2); short protein forms N1150T, N990T.
Identifiers: ClinVar variation 1488219 (VCV001488219.8), dbSNP rs2109497125, ClinGen allele CA356646443.